The following is an entry in ClinVar:

NM_004006.3(DMD):c.5827A>G (p.Met1943Val)

Gene: DMD (dystrophin; minus strand). Cytogenetic location: Xp21.1.
Variant type: single nucleotide variant.
Coding change: c.5827A>G on transcript NM_004006.3 (MANE Select); coding-DNA position 5827, A replaced by G.
Protein change: p.Met1943Val; replaces methionine 1943 with valine.
Molecular consequence: missense variant.
Genome position (GRCh38, 1-based): chrX:32,342,195, T>C on the plus strand (A>G on the coding strand, the complement: DMD is on the minus strand). VCF-style: chrX-32342195-T-C. GRCh37 (hg19) VCF-style: chrX-32360312-T-C.
Other names: c.5803A>G, p.Met1935Val (NM_000109.4); c.5815A>G, p.Met1939Val (NM_004009.3); c.5458A>G, p.Met1820Val (NM_004010.3); c.1804A>G, p.Met602Val (NM_004011.4); c.1795A>G, p.Met599Val (NM_004012.4); short protein forms M599V, M1935V, M1939V, M1820V, M602V.
Identifiers: ClinVar variation 94683 (VCV000094683.23), dbSNP rs181849614, ClinGen allele CA222441.

ClinVar aggregate classification (germline): Conflicting classifications of pathogenicity. Review status: criteria provided, conflicting classifications (1 of 4 stars). 6 submissions from 6 submitters: Uncertain significance (2); Benign (1); Likely benign (1). 2 of the submissions do not count toward it. Last evaluated 2026-01-14.

Conditions:
Dilated cardiomyopathy 3B (CMD3B). Also called: CMD3B: DMD-Related Dilated Cardiomyopathy; CARDIOMYOPATHY, DILATED, X-LINKED; DMD-Associated Dilated Cardiomyopathy. Identifiers: Orphanet 154, MedGen C3668940, MONDO:0010542, OMIM 302045.
DMD-related disorder. Also called: DMD-related condition.
Becker muscular dystrophy (BMD). Also called: Becker Muscular Dystrophy (BMD); MUSCULAR DYSTROPHY, PSEUDOHYPERTROPHIC PROGRESSIVE, BECKER TYPE. Identifiers: Orphanet 98895, MedGen C0917713, MONDO:0010311, OMIM 300376.
Duchenne muscular dystrophy (DMD). Also called: Duchenne Muscular Dystrophy (DMD); MUSCULAR DYSTROPHY, PSEUDOHYPERTROPHIC PROGRESSIVE, DUCHENNE TYPE. Identifiers: Orphanet 98896, MedGen C0013264, MONDO:0010679, OMIM 310200.
Cardiomyopathy (CMYO). Also called: Cardiomyopathies. Identifiers: Orphanet 167848, MedGen C0878544, MONDO:0004994, HP:0001638. Inheritance: Various modes of inheritance.
Dystrophin deficiency.
Cardiovascular phenotype. Identifiers: MedGen CN230736.

Allele frequency attached by ClinVar (database versions not stated): gnomAD 0.00002 and 0.00004; TOPMed 0.00008; gnomAD exomes 0.00016 and 0.00022; ExAC 0.00018; 1000 Genomes Project 30x 0.00021; 1000 Genomes Project 0.00026.

Submissions (6):

Labcorp Genetics (formerly Invitae), Labcorp
Classification: Benign for Duchenne muscular dystrophy. Last evaluated: 2026-01-14. Review status: criteria provided, single submitter. Criteria: Invitae Variant Classification Sherloc (09022015). Collection method: clinical testing. Allele origin: germline.

Ambry Genetics
Classification: Likely benign for Cardiovascular phenotype. Last evaluated: 2019-05-21. Review status: criteria provided, single submitter. Criteria: Ambry Variant Classification Scheme 2023. Collection method: clinical testing. Allele origin: germline.

Illumina Laboratory Services, Illumina
Classification: Uncertain significance for Dilated cardiomyopathy 3B. Last evaluated: 2017-06-14. Review status: criteria provided, single submitter. Criteria: ICSL Variant Classification Criteria 13 December 2019. Collection method: clinical testing. Allele origin: germline.
Comment: This variant was observed as part of a predisposition screen in an ostensibly healthy population. A literature search was performed for the gene, cDNA change, and amino acid change (where applicable). Publications were found based on this search. However, the evidence from the literature, in combination with allele frequency data from public databases where available, was not sufficient to rule this variant in or out of causing disease. Therefore, this variant is classified as a variant of unknown significance.

Eurofins Ntd Llc (ga)
Classification: Uncertain significance. Last evaluated: 2013-12-16. Review status: criteria provided, single submitter. Criteria: EGL Classification Definitions 2015. Collection method: clinical testing. Allele origin: germline. Observed: 2 variant alleles, 1 heterozygote, 1 hemizygote.

PreventionGenetics, part of Exact Sciences
Classification: Likely benign for DMD-related condition. Last evaluated: 2024-02-23. Review status: no assertion criteria provided. Collection method: clinical testing. Allele origin: germline. Not counted in ClinVar's aggregate classification.
Comment: This variant is classified as likely benign based on ACMG/AMP sequence variant interpretation guidelines (Richards et al. 2015 PMID: 25741868, with internal and published modifications).

Natera, Inc.
Classification: Likely benign for Becker muscular dystrophy; Cardiomyopathy; Duchenne muscular dystrophy; Dystrophin deficiency. Last evaluated: 2020-05-31. Review status: no assertion criteria provided. Collection method: clinical testing. Allele origin: germline. Not counted in ClinVar's aggregate classification.

Literature cited by the submitters: PubMed 23251671 (cited by Ambry Genetics and Illumina Laboratory Services, Illumina).